The following is an entry in ClinVar:

ClinVar aggregate classification (germline): Uncertain significance. Review status: criteria provided, multiple submitters, no conflicts (2 of 4 stars). 2 submissions from 2 submitters: Uncertain significance (2). Last evaluated 2025-09-10.

Conditions:
Dystonia 34, myoclonic (DYT34). Identifiers: MedGen C5676907, MONDO:0030538, OMIM 619724.

Submissions (2):

Genomic Medicine Center of Excellence, King Faisal Specialist Hospital and Research Centre
Classification: Uncertain significance for Dystonia 34, myoclonic. Last evaluated: 2025-09-10. Review status: criteria provided, single submitter. Criteria: ACMG Guidelines, 2015. Collection method: clinical testing. Allele origin: germline.

Diagnostics Services (NGS), CSIR - Centre For Cellular And Molecular Biology
Classification: Uncertain significance for Dystonia 34, myoclonic. Last evaluated: 2023-06-19. Review status: criteria provided, single submitter. Criteria: ACMG Guidelines, 2015. Collection method: clinical testing. Allele origin: unknown. Affected: yes. Observed: 1 variant allele, 1 heterozygote.
Comment: The c.428_439dup variant is not present in publicly available population databases like 1000 Genomes, ExAC, EVS, gnomAD, Indian Exome Database or our in-house exome database. This variant has neither been published in literature nor reported to clinical databases like in ClinVar, Human Gene Mutation Database (HGMD) or OMIM, in any affected individuals. In-silico pathogenicity prediction programs like MutationTaster2, CADD etc predicted this variant to be likely deleterious. This variant is located in a non-repetitive region of the gene that may alter the protein length by in-frame duplication of 4 amino acids.

NM_021614.4(KCNN2):c.428_439dup (p.Gln146_Ser147insTyrAlaGlnGln)

Gene: KCNN2 (potassium calcium-activated channel subfamily N member 2; plus strand). Cytogenetic location: 5q22.3.
Variant type: Duplication.
Coding change: c.428_439dup on transcript NM_021614.4 (MANE Select); coding-DNA positions 428 to 439, 12 bases duplicated (ACGCGCAGCAGT).
Protein change: p.Gln146_Ser147insTyrAlaGlnGln.
Molecular consequence: inframe insertion. On other transcripts: non-coding transcript variant (1).
Genome position (GRCh38, 1-based): chr5:114,362,567-114,362,578, ACGCGCAGCAGT duplicated; duplicating any 12 consecutive bases within chr5:114,362,559-114,362,578 gives the same sequence; the c. name uses the placement nearest the transcript's 3' end. VCF-style (leftmost placement, unchanged base first): chr5-114362558-G-GGCAGCAGTACGC. GRCh37 (hg19) VCF-style: chr5-113698255-G-GGCAGCAGTACGC.
Other names: c.626_637dup, p.Gln212_Ser213insTyrAlaGlnGln (NM_001372233.1).
Identifiers: ClinVar variation 2506500 (VCV002506500.2), dbSNP rs1242600338, ClinGen allele CA562152241.
Genomic context (GRCh38, chr5:114,362,558, plus strand): 5'-GCCGGGGCAGCCAGCTCAATGTGAGCGAGCTGACGCCGTCCAGCCATGCCAGTGCGCTCC[G>GGCAGCAGTACGC]GCAGCAGTACGCGCAGCAGTCCGCGCAGCAGTCGGCGTCCGCCTCCCAGTACCACCAGTG-3'